The following is an entry in ClinVar:

NM_001098797.2(TOX2):c.666G>T (p.Lys222Asn)

Gene: TOX2 (TOX high mobility group box family member 2; plus strand). Cytogenetic location: 20q13.12.
Variant type: single nucleotide variant.
Coding change: c.666G>T on transcript NM_001098797.2 (MANE Select); coding-DNA position 666, G replaced by T.
Protein change: p.Lys222Asn; replaces lysine 222 with asparagine.
Molecular consequence: missense variant.
Genome position (GRCh38, 1-based): chr20:44,054,313, G>T. VCF-style: chr20-44054313-G-T. GRCh37 (hg19) VCF-style: chr20-42682953-G-T.
Other names: c.540G>T, p.Lys180Asn (NM_001098796.2, NM_032883.3); c.693G>T, p.Lys231Asn (NM_001098798.2); short protein forms K180N, K222N, K231N.
Identifiers: ClinVar variation 560301 (VCV000560301.3), dbSNP rs1569140429, ClinGen allele CA409097560.

ClinVar aggregate classification (germline): Uncertain significance (1 of 4 stars; one submission).

Submission:

Geisinger Autism and Developmental Medicine Institute, Geisinger Health System
Classification: Uncertain significance. Last evaluated: 2017-05-04. Review status: criteria provided, single submitter. Criteria: ACMG Guidelines, 2015. Collection method: provider interpretation, clinical testing. Allele origin: de novo. Observed: 1 variant allele.
Comment: At the time of report, this gene is not clearly associated with any known disease. The variant is absent from population databases. Computational models predict the variant to be damaging.

Literature cited by the submitters: PubMed 28153336.